The following is an entry in ClinVar:

NM_001374736.1(DST):c.1117C>A (p.Gln373Lys)

Gene: DST (dystonin; minus strand). Cytogenetic location: 6p12.1.
Variant type: single nucleotide variant.
Coding change: c.1117C>A on transcript NM_001374736.1 (MANE Select); coding-DNA position 1117, C replaced by A.
Protein change: p.Gln373Lys; replaces glutamine 373 with lysine.
Molecular consequence: missense variant.
Genome position (GRCh38, 1-based): chr6:56,670,738, G>T on the plus strand (C>A on the coding strand, the complement: DST is on the minus strand). VCF-style: chr6-56670738-G-T. GRCh37 (hg19) VCF-style: chr6-56535536-G-T.
Other names: p.Gln340Lys; c.1018C>A, p.Gln340Lys (NM_001144769.5); c.604C>A, p.Gln202Lys (NM_001144770.2); c.1117C>A, p.Gln373Lys (NM_001374722.1); c.484C>A, p.Gln162Lys (NM_001374729.1, NM_001374730.1, NM_001386100.1 and 1 more transcripts); c.1144C>A, p.Gln382Lys (NM_001374734.1); short protein forms Q162K, Q202K, Q340K, Q373K, Q382K.
Identifiers: ClinVar variation 3379692 (VCV003379692.1).

ClinVar aggregate classification (germline): Uncertain significance (1 of 4 stars; one submission).

gnomAD v4.1: 154 of 1,611,042 alleles (0.0096%); highest among the groups gnomAD compares: South Asian, 0.16%; no homozygotes.

Submission:

Mayo Clinic Laboratories, Mayo Clinic
Classification: Uncertain significance. Last evaluated: 2023-11-07. Review status: criteria provided, single submitter. Criteria: ACMG Guidelines, 2015. Collection method: clinical testing. Allele origin: germline. Observed: 1 variant allele.
Comment: BS1